The following is an entry in ClinVar:

ClinVar aggregate classification (germline): Pathogenic (1 of 4 stars; one submission).

Conditions:
Fanconi anemia (FA). Also called: Fanconi's anemia. Identifiers: Orphanet 84, MedGen C0015625, MeSH D005199, MONDO:0019391.

gnomAD v4.1: 1 of 1,599,666 alleles (0.000063%); no homozygotes.

Submission:

Labcorp Genetics (formerly Invitae), Labcorp
Classification: Pathogenic for Fanconi anemia. Last evaluated: 2023-11-06. Review status: criteria provided, single submitter. Criteria: Invitae Variant Classification Sherloc (09022015). Collection method: clinical testing. Allele origin: germline.
Comment: This sequence change creates a premature translational stop signal (p.Trp678*) in the FANCM gene. It is expected to result in an absent or disrupted protein product. Loss-of-function variants in FANCM are known to be pathogenic (PMID: 29895858, 30075111). This variant is not present in population databases (gnomAD no frequency). This variant has not been reported in the literature in individuals affected with FANCM-related conditions. For these reasons, this variant has been classified as Pathogenic.

Literature cited by the submitters: PubMed 29895858; PubMed 30075111.

NM_020937.4(FANCM):c.2034G>A (p.Trp678Ter)

Gene: FANCM (FA complementation group M; plus strand). Cytogenetic location: 14q21.2.
Variant type: single nucleotide variant.
Coding change: c.2034G>A on transcript NM_020937.4 (MANE Select); coding-DNA position 2034, G replaced by A.
Protein change: p.Trp678Ter; replaces tryptophan 678 with a stop codon.
Molecular consequence: nonsense.
Genome position (GRCh38, 1-based): chr14:45,170,620, G>A. VCF-style: chr14-45170620-G-A. GRCh37 (hg19) VCF-style: chr14-45639823-G-A.
Other names: c.1956G>A, p.Trp652Ter (NM_001308133.2); short protein forms W678*, W652*.
Identifiers: ClinVar variation 2730815 (VCV002730815.3), dbSNP rs2503162667, ClinGen allele CA389595889.